The following is an entry in ClinVar:

NM_002471.4(MYH6):c.1606G>C (p.Glu536Gln)

Gene: MYH6 (myosin heavy chain 6; minus strand). Cytogenetic location: 14q11.2.
Variant type: single nucleotide variant.
Coding change: c.1606G>C on transcript NM_002471.4 (MANE Select); coding-DNA position 1606, G replaced by C.
Protein change: p.Glu536Gln; replaces glutamic acid 536 with glutamine.
Molecular consequence: missense variant.
Genome position (GRCh38, 1-based): chr14:23,399,013, C>G on the plus strand (G>C on the coding strand, the complement: MYH6 is on the minus strand). VCF-style: chr14-23399013-C-G. GRCh37 (hg19) VCF-style: chr14-23868222-C-G.
Other names: short protein forms E536Q.
Identifiers: ClinVar variation 2777568 (VCV002777568.5), dbSNP rs1396789989, ClinGen allele CA389021089.

ClinVar aggregate classification (germline): Uncertain significance. Review status: criteria provided, multiple submitters, no conflicts (2 of 4 stars). 2 submissions from 2 submitters: Uncertain significance (2). Last evaluated 2025-09-16.

Conditions:
Hypertrophic cardiomyopathy 14. Identifiers: MedGen C2750467, MONDO:0013197, OMIM 613251.

Allele frequency attached by ClinVar (database versions not stated): gnomAD exomes below 0.00001; gnomAD 0.00001; TOPMed 0.00001.
gnomAD v4.1: 3 of 1,613,980 alleles (0.00019%); highest among the groups gnomAD compares: African/African-American, 0.004%; no homozygotes.

Submissions (2):

Labcorp Genetics (formerly Invitae), Labcorp
Classification: Uncertain significance for Hypertrophic cardiomyopathy 14. Last evaluated: 2025-09-16. Review status: criteria provided, single submitter. Criteria: Invitae Variant Classification Sherloc (09022015). Collection method: clinical testing. Allele origin: germline.
Comment: This sequence change replaces glutamic acid, which is acidic and polar, with glutamine, which is neutral and polar, at codon 536 of the MYH6 protein (p.Glu536Gln). This variant is not present in population databases (gnomAD no frequency). This variant has not been reported in the literature in individuals affected with MYH6-related conditions. ClinVar contains an entry for this variant (Variation ID: 2777568). Invitae Evidence Modeling of protein sequence and biophysical properties (such as structural, functional, and spatial information, amino acid conservation, physicochemical variation, residue mobility, and thermodynamic stability) indicates that this missense variant is expected to disrupt MYH6 protein function with a positive predictive value of 80%. Algorithms developed to predict the effect of sequence changes on RNA splicing suggest that this variant may create or strengthen a splice site. In summary, the available evidence is currently insufficient to determine the role of this variant in disease. Therefore, it has been classified as a Variant of Uncertain Significance.

GeneDx
Classification: Uncertain significance. Last evaluated: 2025-06-12. Review status: criteria provided, single submitter. Criteria: GeneDx Variant Classification Process June 2021. Collection method: clinical testing. Allele origin: germline.
Comment: Not observed at significant frequency in large population cohorts (gnomAD); In silico analyses support that this missense variant has a deleterious effect on protein structure/function and a deleterious effect on splicing; Has not been previously published as pathogenic or benign to our knowledge